The following is an entry in ClinVar:

ClinVar aggregate classification (germline): Uncertain significance (1 of 4 stars; one submission).

Allele frequency attached by ClinVar (database versions not stated): gnomAD exomes below 0.00001.

Submission:

Labcorp Genetics (formerly Invitae), Labcorp
Classification: Uncertain significance. Last evaluated: 2021-10-08. Review status: criteria provided, single submitter. Criteria: Invitae Variant Classification Sherloc (09022015). Collection method: clinical testing. Allele origin: germline.
Comment: Algorithms developed to predict the effect of missense changes on protein structure and function are either unavailable or do not agree on the potential impact of this missense change (SIFT: "Tolerated"; PolyPhen-2: "Not Available"; Align-GVGD: "Class C0"). This variant has not been reported in the literature in individuals affected with CUX1-related conditions. This variant is not present in population databases (ExAC no frequency). This sequence change replaces methionine with valine at codon 195 of the CUX1 protein (p.Met195Val). The methionine residue is highly conserved and there is a small physicochemical difference between methionine and valine. Algorithms developed to predict the effect of sequence changes on RNA splicing suggest that this variant may create or strengthen a splice site. In summary, the available evidence is currently insufficient to determine the role of this variant in disease. Therefore, it has been classified as a Variant of Uncertain Significance.

NM_181552.4(CUX1):c.550A>G (p.Met184Val)

Gene: CUX1 (cut like homeobox 1; plus strand). Cytogenetic location: 7q22.1.
Variant type: single nucleotide variant.
Coding change: c.550A>G on transcript NM_181552.4 (MANE Select); coding-DNA position 550, A replaced by G.
Protein change: p.Met184Val; replaces methionine 184 with valine.
Molecular consequence: missense variant.
Genome position (GRCh38, 1-based): chr7:102,111,717, A>G. VCF-style: chr7-102111717-A-G. GRCh37 (hg19) VCF-style: chr7-101754997-A-G.
Other names: c.583A>G, p.Met195Val (NM_001202543.2, NM_001913.5, NM_181500.4); c.535A>G, p.Met179Val (NM_001202544.3); c.445A>G, p.Met149Val (NM_001202545.3); c.472A>G, p.Met158Val (NM_001202546.3); short protein forms M158V, M195V, M184V, M179V, M149V.
Identifiers: ClinVar variation 1523664 (VCV001523664.6), dbSNP rs2131075290, ClinGen allele CA368665965.
Genomic context (GRCh38, chr7:102,111,717, plus strand): 5'-AAAGGAGATGACCAATTTGGCTTCGTCCTCTTCCTTTGCAGAAAGCTGCAGGAGACACAG[A>G]TGTCCACCACCTCAAAGCTGGAGGAAGCTGAGCATAAGGTTCAGAGCCTACAAACAGGTT-3'
Protein context (NP_853530.2, residues 174-194): EKERKLQETQ[Met184Val]STTSKLEEAE